The following is an entry in ClinVar:

ClinVar aggregate classification (germline): Pathogenic (1 of 4 stars; one submission).

Conditions:
Sphingolipid activator protein 1 deficiency. Also called: Saposin B Deficiency; Metachromatic leukodystrophy due to saposin B deficiency; METACHROMATIC LEUKODYSTROPHY DUE TO CEREBROSIDE SULFATASE ACTIVATOR DEFICIENCY. Identifiers: Orphanet 512, MedGen C0268262, MONDO:0009590, OMIM 249900.

Submission:

Labcorp Genetics (formerly Invitae), Labcorp
Classification: Pathogenic for Sphingolipid activator protein 1 deficiency. Last evaluated: 2024-01-16. Review status: criteria provided, single submitter. Criteria: Invitae Variant Classification Sherloc (09022015). Collection method: clinical testing. Allele origin: germline.
Comment: This sequence change creates a premature translational stop signal (p.Asp68Thrfs*10) in the PSAP gene. It is expected to result in an absent or disrupted protein product. Loss-of-function variants in PSAP are known to be pathogenic (PMID: 8554069, 11309366, 17616409, 19267410, 30632081). This variant is not present in population databases (gnomAD no frequency). This variant has not been reported in the literature in individuals affected with PSAP-related conditions. For these reasons, this variant has been classified as Pathogenic.

Literature cited by the submitters: PubMed 8554069; PubMed 11309366; PubMed 17616409; PubMed 19267410; PubMed 30632081.

NM_002778.4(PSAP):c.202del (p.Asp68fs)

Gene: PSAP (prosaposin; minus strand). Cytogenetic location: 10q22.1.
Variant type: Deletion.
Coding change: c.202del on transcript NM_002778.4 (MANE Select); coding-DNA position 202, one base deleted (G; older notation c.202delG).
Protein change: p.Asp68fs; shifts the reading frame from aspartic acid 68.
Molecular consequence: frameshift variant.
Genome position (GRCh38, 1-based): chr10:71,831,893, C deleted on the plus strand (G on the coding strand, the reverse complement: PSAP is on the minus strand). VCF-style (leftmost placement, unchanged base first): chr10-71831892-TC-T. GRCh37 (hg19) VCF-style: chr10-73591649-TC-T.
Other names: c.202del, p.Asp68fs (NM_001042465.3, NM_001042466.3); short protein forms D68fs.
Identifiers: ClinVar variation 2709568 (VCV002709568.3), dbSNP rs2494535401, ClinGen allele CA2697558415.